The following is an entry in ClinVar:

GRCh37/hg19 18p11.31(chr18:3162390-4390081)x1

Genes: DLGAP1-AS2 (DLGAP1 antisense RNA 2; plus strand), MYL12A (myosin light chain 12A; plus strand), DLGAP1 (DLG associated protein 1; minus strand), MYL12B (myosin light chain 12B; plus strand), MYOM1 (myomesin 1; minus strand) and 1 more. Cytogenetic location: 18p11.31.
Variant type: copy number loss.
Change: copy number 1 (one copy instead of two) of chr18:3,162,390-4,390,081 (1.23 Mb, GRCh37 coordinates, 1-based), cytogenetic band 18p11.31.
Identifiers: ClinVar variation 929359 (VCV000929359.2).

ClinVar aggregate classification (germline): Pathogenic (1 of 4 stars; one submission).

Submission:

Clinical Genomics Laboratory, Laboratory for Precision Diagnostics, University of Washington
Classification: Pathogenic. Last evaluated: 2019-12-17. Review status: criteria provided, single submitter. Criteria: Clinical Cytogenomics Laboratory Policy on CNV Interpretation. Collection method: clinical testing. Allele origin: unknown. Affected: yes. Observed: 1 variant allele.

Literature cited by the submitters: PubMed 15221788; PubMed 16962354; PubMed 21227728; PubMed 22125506; PubMed 21940735.